The following is an entry in ClinVar:

ClinVar aggregate classification (germline): Pathogenic (1 of 4 stars; one submission).

Conditions:
Hereditary cancer-predisposing syndrome. Also called: Neoplastic Syndromes, Hereditary; Tumor predisposition; Hereditary Cancer Syndrome; Hereditary neoplastic syndrome. Identifiers: Orphanet 140162, MedGen C0027672, MeSH D009386, MONDO:0015356.
Cardiovascular phenotype. Identifiers: MedGen CN230736.

Submission:

Ambry Genetics
Classification: Pathogenic for Cardiovascular phenotype; Hereditary cancer-predisposing syndrome. Last evaluated: 2016-08-19. Review status: criteria provided, single submitter. Criteria: Ambry Variant Classification Scheme 2023. Collection method: clinical testing. Allele origin: germline.
Comment: The c.4102_4103delTT pathogenic mutation, located in coding exon 30 of the NF1 gene, results from a deletion of two nucleotides at nucleotide positions 4102 to 4103, causing a translational frameshift with a predicted alternate stop codon. This alteration is expected to result in loss of function by premature protein truncation or nonsense-mediated mRNA decay. As such, this alteration is interpreted as a disease-causing mutation.

NM_001042492.3(NF1):c.4102_4103del (p.Leu1368fs)

Gene: NF1 (neurofibromin 1; plus strand). Cytogenetic location: 17q11.2.
Variant type: Deletion.
Coding change: c.4102_4103del on transcript NM_001042492.3 (MANE Select); coding-DNA positions 4102 to 4103, 2 bases deleted (TT; older notation c.4102_4103delTT).
Protein change: p.Leu1368fs; shifts the reading frame from leucine 1368.
Molecular consequence: frameshift variant.
Genome position (GRCh38, 1-based): chr17:31,249,111-31,249,112, TT deleted; deleting any 2 consecutive bases within chr17:31,249,110-31,249,112 gives the same sequence; the c. name uses the placement nearest the transcript's 3' end. VCF-style (leftmost placement, unchanged base first): chr17-31249109-GTT-G. GRCh37 (hg19) VCF-style: chr17-29576127-GTT-G.
Other names: c.4102_4103delTT (NM_000267.3); c.4102_4103delTT, p.Leu1368Ilefs (NM_000267.4); short protein forms L1368fs.
Identifiers: ClinVar variation 1737862 (VCV001737862.2), dbSNP rs2508352902, ClinGen allele CA2580092873.